The following is an entry in ClinVar:

ClinVar aggregate classification (germline): Likely benign. Review status: criteria provided, multiple submitters, no conflicts (2 of 4 stars). 2 submissions from 2 submitters: Likely benign (2). Last evaluated 2025-06-24.

Conditions:
RYR2-related disorder. Also called: RYR2-related condition.

gnomAD v4.1: 39 of 1,597,606 alleles (0.0024%); highest among the groups gnomAD compares: African/African-American, 0.0054%; no homozygotes.

Submissions (2):

PreventionGenetics, part of Exact Sciences
Classification: Likely benign for RYR2-related condition. Last evaluated: 2025-06-24. Review status: criteria provided, single submitter. Criteria: ACMG Guidelines, 2015. Collection method: clinical testing. Allele origin: germline.
Comment: This variant is classified as likely benign based on ACMG/AMP sequence variant interpretation guidelines (Richards et al. 2015 PMID: 25741868, with internal and published modifications).

Blueprint Genetics
Classification: Likely benign. Last evaluated: 2024-07-05. Review status: criteria provided, single submitter. Criteria: ACMG Guidelines, 2015. Collection method: clinical testing. Allele origin: germline.

NM_001035.3(RYR2):c.13783-7T>C

Gene: RYR2 (ryanodine receptor 2; plus strand). Cytogenetic location: 1q43.
Variant type: single nucleotide variant.
Coding change: c.13783-7T>C on transcript NM_001035.3 (MANE Select); 7 bases into the intron before coding-DNA position 13783, T replaced by C.
Molecular consequence: intron variant.
Genome position (GRCh38, 1-based): chr1:237,793,860, T>C. VCF-style: chr1-237793860-T-C. GRCh37 (hg19) VCF-style: chr1-237957160-T-C.
Other names: c.13783-7T>C (NM_001035.2).
Identifiers: ClinVar variation 4948378 (VCV004948378.2).